The following is an entry in ClinVar:

ClinVar aggregate classification (germline): Uncertain significance (1 of 4 stars; one submission).

gnomAD v4.1: 15 of 1,612,270 alleles (0.00093%); highest among the groups gnomAD compares: South Asian, 0.015%; 1 homozygote.

Submission:

Labcorp Genetics (formerly Invitae), Labcorp
Classification: Uncertain significance. Last evaluated: 2024-12-23. Review status: criteria provided, single submitter. Criteria: Invitae Variant Classification Sherloc (09022015). Collection method: clinical testing. Allele origin: germline.
Comment: This sequence change replaces threonine, which is neutral and polar, with serine, which is neutral and polar, at codon 946 of the TOP2B protein (p.Thr946Ser). This variant is present in population databases (rs564436755, gnomAD 0.02%). This variant has not been reported in the literature in individuals affected with TOP2B-related conditions. An algorithm developed to predict the effect of missense changes on protein structure and function (PolyPhen-2) suggests that this variant is likely to be tolerated. In summary, the available evidence is currently insufficient to determine the role of this variant in disease. Therefore, it has been classified as a Variant of Uncertain Significance.

NM_001330700.2(TOP2B):c.2852C>G (p.Thr951Ser)

Gene: TOP2B (DNA topoisomerase II beta; minus strand). Cytogenetic location: 3p24.2.
Variant type: single nucleotide variant.
Coding change: c.2852C>G on transcript NM_001330700.2 (MANE Select); coding-DNA position 2852, C replaced by G.
Protein change: p.Thr951Ser; replaces threonine 951 with serine.
Molecular consequence: missense variant.
Genome position (GRCh38, 1-based): chr3:25,620,692, G>C on the plus strand (C>G on the coding strand, the complement: TOP2B is on the minus strand). VCF-style: chr3-25620692-G-C. GRCh37 (hg19) VCF-style: chr3-25662183-G-C.
Other names: c.2837C>G, p.Thr946Ser (NM_001068.3); short protein forms T951S, T946S.
Identifiers: ClinVar variation 3692733 (VCV003692733.2).